The following is an entry in ClinVar:

NM_007294.4(BRCA1):c.898G>A (p.Glu300Lys)

Gene: BRCA1 (BRCA1 DNA repair associated; minus strand). Cytogenetic location: 17q21.31.
Variant type: single nucleotide variant.
Coding change: c.898G>A on transcript NM_007294.4 (MANE Select); coding-DNA position 898, G replaced by A.
Protein change: p.Glu300Lys; replaces glutamic acid 300 with lysine.
Molecular consequence: missense variant. On other transcripts: intron variant (137).
Genome position (GRCh38, 1-based): chr17:43,094,633, C>T on the plus strand (G>A on the coding strand, the complement: BRCA1 is on the minus strand). VCF-style: chr17-43094633-C-T. GRCh37 (hg19) VCF-style: chr17-41246650-C-T.
Other names: c.895G>A, p.Glu299Lys (NM_001407587.1, NM_001407590.1, NM_001407591.1 and 22 more transcripts); c.898G>A, p.Glu300Lys (NM_001407593.1, NM_001407594.1, NM_001407596.1 and 30 more transcripts); c.889G>A, p.Glu297Lys (NM_001407646.1, NM_001407647.1); c.775G>A, p.Glu259Lys (NM_001407648.1, NM_001407664.1, NM_001407665.1 and 19 more transcripts); c.772G>A, p.Glu258Lys (NM_001407649.1, NM_001407670.1, NM_001407685.1 and 11 more transcripts); c.817G>A, p.Glu273Lys (NM_001407662.1, NM_001407659.1, NM_001407660.1 and 1 more transcripts); c.820G>A, p.Glu274Lys (NM_001407663.1, NM_001407653.1, NM_001407654.1 and 4 more transcripts); c.757G>A, p.Glu253Lys (NM_001407726.1, NM_001407727.1, NM_001407728.1 and 29 more transcripts); and 40 more; short protein forms E300K, E253K, E132K, E173K, E189K, E229K, E297K, E4K.
Identifiers: ClinVar variation 462691 (VCV000462691.32), dbSNP rs886040330, ClinGen allele CA10600280.

ClinVar aggregate classification (germline): Conflicting classifications of pathogenicity. Review status: criteria provided, conflicting classifications (1 of 4 stars). 6 submissions from 6 submitters: Uncertain significance (5); Likely benign (1). Last evaluated 2025-11-17.

Conditions:
Hereditary cancer-predisposing syndrome. Also called: Hereditary neoplastic syndrome; Neoplastic Syndromes, Hereditary; Hereditary Cancer Syndrome; Tumor predisposition. Identifiers: Orphanet 140162, MedGen C0027672, MeSH D009386, MONDO:0015356.
Hereditary breast ovarian cancer syndrome. Also called: Hereditary breast and/or ovarian cancer syndrome; Hereditary breast and ovarian cancer; Hereditary breast and ovarian cancer syndrome; Hereditary breast and ovarian cancer syndrome (HBOC); Breast and ovarian cancer; BRCA1- and BRCA2-Associated Hereditary Breast and Ovarian Cancer. Identifiers: Orphanet 145, MedGen C0677776, MeSH D061325, MONDO:0003582. Disease mechanism: loss of function.
Breast-ovarian cancer, familial, susceptibility to, 1 (BROVCA1). Also called: BRCA1 Hereditary Breast and Ovarian Cancer; OVARIAN CANCER, SUSCEPTIBILITY TO. Identifiers: Orphanet 145, MedGen C2676676, MONDO:0011450, OMIM 604370. Disease mechanism: loss of function.

Allele frequency attached by ClinVar (database versions not stated): TOPMed below 0.00001.

Submissions (6):

Labcorp Genetics (formerly Invitae), Labcorp
Classification: Uncertain significance for Hereditary breast ovarian cancer syndrome. Last evaluated: 2025-11-17. Review status: criteria provided, single submitter. Criteria: Invitae Variant Classification Sherloc (09022015). Collection method: clinical testing. Allele origin: germline.
Comment: This sequence change replaces glutamic acid, which is acidic and polar, with lysine, which is basic and polar, at codon 300 of the BRCA1 protein (p.Glu300Lys). This variant is not present in population databases (gnomAD no frequency). This variant has not been reported in the literature in individuals affected with BRCA1-related conditions. ClinVar contains an entry for this variant (Variation ID: 462691). Invitae Evidence Modeling of protein sequence and biophysical properties (such as structural, functional, and spatial information, amino acid conservation, physicochemical variation, residue mobility, and thermodynamic stability) has been performed for this missense variant. However, the output from this modeling did not meet the statistical confidence thresholds required to predict the impact of this variant on BRCA1 protein function. In summary, the available evidence is currently insufficient to determine the role of this variant in disease. Therefore, it has been classified as a Variant of Uncertain Significance.

CeGaT Center for Human Genetics Tuebingen
Classification: Uncertain significance. Last evaluated: 2025-09-01. Review status: criteria provided, single submitter. Criteria: CeGaT Center For Human Genetics Tuebingen Variant Classification Criteria Version 2. Collection method: clinical testing. Allele origin: germline. Affected: yes. Observed: 1 variant allele.
Comment: BRCA1: PM2, BP1

Ambry Genetics
Classification: Uncertain significance for Hereditary cancer-predisposing syndrome. Last evaluated: 2024-12-10. Review status: criteria provided, single submitter. Criteria: Ambry Variant Classification Scheme 2023. Collection method: clinical testing. Allele origin: germline.
Comment: The p.E300K variant (also known as c.898G>A), located in coding exon 9 of the BRCA1 gene, results from a G to A substitution at nucleotide position 898. The glutamic acid at codon 300 is replaced by lysine, an amino acid with similar properties. This amino acid position is well conserved in available vertebrate species. In addition, this alteration is predicted to be deleterious by in silico analysis. Since supporting evidence is limited at this time, the clinical significance of this alteration remains unclear.

All of Us Research Program, National Institutes of Health
Classification: Uncertain significance for Breast-ovarian cancer, familial, susceptibility to, 1. Last evaluated: 2023-05-04. Review status: criteria provided, single submitter. Criteria: ACMG Guidelines, 2015. Collection method: clinical testing. Allele origin: germline. Inheritance: Autosomal dominant inheritance. Observed: 2 variant alleles, 2 heterozygotes.
Comment: This missense variant replaces glutamic acid with lysine at codon 300 of the BRCA1 protein. Computational prediction suggests that this variant may have deleterious impact on protein structure and function (internally defined REVEL score threshold >= 0.7, PMID: 27666373). To our knowledge, functional studies have not been reported for this variant. This variant has not been reported in individuals affected with BRCA1-related disorders in the literature. This variant has not been identified in the general population by the Genome Aggregation Database (gnomAD). The available evidence is insufficient to determine the role of this variant in disease conclusively. Therefore, this variant is classified as a Variant of Uncertain Significance.

This study involves interpretation of variants in research participants for the purpose of population health screening. Participant phenotype was not available at the time of variant classification. Additional details can be found in publication PMID: 35346344, PMCID: PMC8962531

University of Washington Department of Laboratory Medicine, University of Washington
Classification: Likely benign for Hereditary cancer-predisposing syndrome. Last evaluated: 2023-03-23. Review status: criteria provided, single submitter. Criteria: Dines et al. (Genet Med. 2020). Collection method: curation. Allele origin: germline.
Comment: Missense variant in a coldspot region where missense variants are very unlikely to be pathogenic (PMID:31911673).

BRCA1 coldspot (exon 11 using historical exon numbering). Reclassification based on statistical prior probability

Color Diagnostics, LLC DBA Color Health
Classification: Uncertain significance for Hereditary cancer-predisposing syndrome. Last evaluated: 2022-11-28. Review status: criteria provided, single submitter. Criteria: ACMG Guidelines, 2015. Collection method: clinical testing. Allele origin: germline.
Comment: This missense variant replaces glutamic acid with lysine at codon 300 of the BRCA1 protein. Computational prediction suggests that this variant may have deleterious impact on protein structure and function (internally defined REVEL score threshold >= 0.7, PMID: 27666373). To our knowledge, functional studies have not been reported for this variant. This variant has not been reported in individuals affected with BRCA1-related disorders in the literature. This variant has not been identified in the general population by the Genome Aggregation Database (gnomAD). The available evidence is insufficient to determine the role of this variant in disease conclusively. Therefore, this variant is classified as a Variant of Uncertain Significance.